The following is an entry in ClinVar:

NM_006939.4(SOS2):c.1183A>T (p.Arg395Ter)

Gene: SOS2 (SOS Ras/Rho guanine nucleotide exchange factor 2; minus strand). Cytogenetic location: 14q21.3.
Variant type: single nucleotide variant.
Coding change: c.1183A>T on transcript NM_006939.4 (MANE Select); coding-DNA position 1183, A replaced by T.
Protein change: p.Arg395Ter; replaces arginine 395 with a stop codon.
Molecular consequence: nonsense.
Genome position (GRCh38, 1-based): chr14:50,161,495, T>A on the plus strand (A>T on the coding strand, the complement: SOS2 is on the minus strand). VCF-style: chr14-50161495-T-A. GRCh37 (hg19) VCF-style: chr14-50628213-T-A.
Other names: c.1084A>T, p.Arg362Ter (NM_001411020.1); short protein forms R362*, R395*.
Identifiers: ClinVar variation 2958198 (VCV002958198.3), dbSNP rs2503002029, ClinGen allele CA389646382.
Genomic context (GRCh38, chr14:50,161,495, plus strand): 5'-CAGCGAAGTAAGCAGAGGCATTCACGTTTTCAACACTTTGGAATTACCCAGGTCGACGTC[T>A]AGGTGAATACTGCTTGTAAATTCGGTCCATGCTACCTTGGAGATTCATGAGAGCAGTAAT-3'

ClinVar aggregate classification (germline): Uncertain significance (1 of 4 stars; one submission).

Conditions:
Noonan syndrome 9 (NS9). Identifiers: Orphanet 648, MedGen C4225282, MONDO:0014691, OMIM 616559.

Submission:

Labcorp Genetics (formerly Invitae), Labcorp
Classification: Uncertain significance for Noonan syndrome 9. Last evaluated: 2022-12-17. Review status: criteria provided, single submitter. Criteria: Invitae Variant Classification Sherloc (09022015). Collection method: clinical testing. Allele origin: germline.
Comment: In summary, the available evidence is currently insufficient to determine the role of this variant in disease. Therefore, it has been classified as a Variant of Uncertain Significance. This variant has not been reported in the literature in individuals affected with SOS2-related conditions. This variant is not present in population databases (gnomAD no frequency). This sequence change creates a premature translational stop signal (p.Arg395*) in the SOS2 gene. It is expected to result in an absent or disrupted protein product. However, the current clinical and genetic evidence is not sufficient to establish whether loss-of-function variants in SOS2 cause disease.